The following is an entry in ClinVar:

NM_000540.3(RYR1):c.14558C>T (p.Thr4853Ile)

Gene: RYR1 (ryanodine receptor 1; plus strand). Cytogenetic location: 19q13.2.
Variant type: single nucleotide variant.
Coding change: c.14558C>T on transcript NM_000540.3 (MANE Select); coding-DNA position 14558, C replaced by T.
Protein change: p.Thr4853Ile; replaces threonine 4853 with isoleucine.
Molecular consequence: missense variant.
Genome position (GRCh38, 1-based): chr19:38,580,416, C>T. VCF-style: chr19-38580416-C-T. GRCh37 (hg19) VCF-style: chr19-39071056-C-T.
Other names: NM_000540.2(RYR1):c.14558C>T; p.Thr4853Ile; c.14543C>T, p.Thr4848Ile (NM_001042723.2); short protein forms T4853I, T4848I.
Identifiers: ClinVar variation 544455 (VCV000544455.13), dbSNP rs1555803922, ClinGen allele CA405687698.

ClinVar aggregate classification (germline): Uncertain significance. Review status: reviewed by expert panel (3 of 4 stars). 3 submissions from 3 submitters: Uncertain significance (1). 2 of the submissions do not count toward it. Last evaluated 2025-08-01.

Conditions:
RYR1-related disorder. Also called: RYR1-related condition; RYR1-related disorders. Identifiers: MedGen CN239331.
Malignant hyperthermia of anesthesia. Also called: Anesthesic-triggered malignant hyperthermia. Identifiers: Orphanet 423, MedGen C0024591, MONDO:0018493, HP:0034733.

Submissions (3):

ClinGen Malignant Hyperthermia Susceptibility Variant Curation Expert Panel, ClinGen
Classification: Uncertain significance for Malignant hyperthermia of anesthesia. Last evaluated: 2025-08-01. Review status: reviewed by expert panel. Criteria: RYR1-MHS Interpretation Guidelines V2. Collection method: curation. Allele origin: germline. Inheritance: Autosomal dominant inheritance.
Comment: This pathogenicity assessment is relevant only for malignant hyperthermia susceptibility (MHS) inherited in an autosomal dominant pattern. Variants in RYR1 can also cause other myopathies inherited in an autosomal dominant pattern or in an autosomal recessive pattern. Some of these disorders may predispose individuals to malignant hyperthermia. RYR1 variants may also contribute to a malignant hyperthermia reaction in combination with other genetic and non-genetic factors and the clinician needs to consider such factors in making management decisions. This sequence variant predicts a substitution of threonine with isoleucine at codon 4853 of the RYR1 protein, p.(Thr4853Ile). This variant was not present in a large population database (gnomAD) at the time this variant was interpreted. This variant has been reported in an individual with a positive in vitro contracture test (IVCT) or caffeine halothane contracture test (CHCT) result without a clear MH event (PMID: 16244682), PS4 not met. No functional studies were identified for this variant. This variant resides in a region of RYR1 considered to be a hotspot for pathogenic variants that contribute to MHS, PM1_Supporting (PMID: 21118704). A REVEL score >0.85 (0.982) supports a pathogenic status for this variant, PP3_Moderate. This variant has been classified as a Variant of Unknown Significance. Criteria implemented: PM1_Supporting, PP3_Moderate.

Labcorp Genetics (formerly Invitae), Labcorp
Classification: Pathogenic for RYR1-related disorder. Last evaluated: 2023-11-28. Review status: criteria provided, single submitter. Criteria: Invitae Variant Classification Sherloc (09022015). Collection method: clinical testing. Allele origin: germline. Not counted in ClinVar's aggregate classification.
Comment: This sequence change replaces threonine, which is neutral and polar, with isoleucine, which is neutral and non-polar, at codon 4853 of the RYR1 protein (p.Thr4853Ile). This variant is not present in population databases (gnomAD no frequency). This missense change has been observed in individual(s) with autosomal dominant congenital myopathy and/or malignant hyperthermia (PMID: 16244682, 23394784; Invitae). In at least one individual the variant was observed to be de novo. ClinVar contains an entry for this variant (Variation ID: 544455). Advanced modeling of protein sequence and biophysical properties (such as structural, functional, and spatial information, amino acid conservation, physicochemical variation, residue mobility, and thermodynamic stability) performed at Invitae indicates that this missense variant is expected to disrupt RYR1 protein function with a positive predictive value of 95%. For these reasons, this variant has been classified as Pathogenic.

PreventionGenetics, part of Exact Sciences
Classification: Likely pathogenic. Last evaluated: 2016-03-31. Review status: criteria provided, single submitter. Criteria: ACMG Guidelines, 2015. Collection method: clinical testing. Allele origin: germline. Not counted in ClinVar's aggregate classification.

Literature cited by the submitters: PubMed 16244682 (cited by Labcorp Genetics (formerly Invitae), Labcorp); PubMed 23394784 (cited by Labcorp Genetics (formerly Invitae), Labcorp).